The following is an entry in ClinVar:

ClinVar aggregate classification (germline): Uncertain significance. Review status: criteria provided, multiple submitters, no conflicts (2 of 4 stars). 2 submissions from 2 submitters: Uncertain significance (2). Last evaluated 2024-02-21.

Conditions:
Primary ciliary dyskinesia 23 (CILD23). Also called: CILIARY DYSKINESIA, PRIMARY, 23, WITH OR WITHOUT SITUS INVERSUS. Identifiers: Orphanet 244, MedGen C3809548, MONDO:0014193, OMIM 615451.
Primary ciliary dyskinesia. Also called: Ciliary dyskinesia. Identifiers: Orphanet 244, MedGen C0008780, MONDO:0016575, HP:0012265.

Allele frequency attached by ClinVar (database versions not stated): 1000 Genomes Project 0.00020; 1000 Genomes Project 30x 0.00031.
gnomAD v4.1: 33 of 1,605,066 alleles (0.0021%); highest among the groups gnomAD compares: Middle Eastern, 0.017%; no homozygotes.

Submissions (2):

Ambry Genetics
Classification: Uncertain significance for Primary ciliary dyskinesia. Last evaluated: 2024-02-21. Review status: criteria provided, single submitter. Criteria: Ambry Variant Classification Scheme 2023. Collection method: clinical testing. Allele origin: germline.

Labcorp Genetics (formerly Invitae), Labcorp
Classification: Uncertain significance for Primary ciliary dyskinesia 23. Last evaluated: 2022-07-23. Review status: criteria provided, single submitter. Criteria: Invitae Variant Classification Sherloc (09022015). Collection method: clinical testing. Allele origin: germline.
Comment: This sequence change replaces alanine, which is neutral and non-polar, with threonine, which is neutral and polar, at codon 694 of the ARMC4 protein (p.Ala694Thr). The frequency data for this variant in the population databases is considered unreliable, as metrics indicate poor data quality at this position in the gnomAD database. This variant has not been reported in the literature in individuals affected with ARMC4-related conditions. ClinVar contains an entry for this variant (Variation ID: 1681362). Algorithms developed to predict the effect of missense changes on protein structure and function are either unavailable or do not agree on the potential impact of this missense change (SIFT: "Deleterious"; PolyPhen-2: "Probably Damaging"; Align-GVGD: "Class C0"). In summary, the available evidence is currently insufficient to determine the role of this variant in disease. Therefore, it has been classified as a Variant of Uncertain Significance.

NM_018076.5(ODAD2):c.2080G>A (p.Ala694Thr)

Gene: ODAD2 (outer dynein arm docking complex subunit 2; minus strand). Cytogenetic location: 10p12.1.
Variant type: single nucleotide variant.
Coding change: c.2080G>A on transcript NM_018076.5 (MANE Select); coding-DNA position 2080, G replaced by A.
Protein change: p.Ala694Thr; replaces alanine 694 with threonine.
Molecular consequence: missense variant.
Genome position (GRCh38, 1-based): chr10:27,939,914, C>T on the plus strand (G>A on the coding strand, the complement: ODAD2 is on the minus strand). VCF-style: chr10-27939914-C-T. GRCh37 (hg19) VCF-style: chr10-28228843-C-T.
Other names: c.2080G>A (NM_018076.2); c.2080G>A, p.Ala694Thr (NM_001290020.2); c.655G>A, p.Ala219Thr (NM_001290021.2); c.1156G>A, p.Ala386Thr (NM_001312689.2); short protein forms A219T, A386T, A694T.
Identifiers: ClinVar variation 1681362 (VCV001681362.7), dbSNP rs556371991, ClinGen allele CA5453317.